The following is an entry in ClinVar:

NM_024911.7(WLS):c.1363-3279C>A

Genes: GNG12-AS1 (GNG12, DIRAS3 and WLS antisense RNA 1; plus strand), WLS (Wnt ligand secretion mediator; minus strand). Cytogenetic location: 1p31.3.
Variant type: single nucleotide variant.
Coding change: c.1363-3279C>A on transcript NM_024911.7 (MANE Select); 3279 bases into the intron before coding-DNA position 1363, C replaced by A.
Molecular consequence: intron variant.
Genome position (GRCh38, 1-based): chr1:68,141,212, G>T on the plus strand (C>A on the coding strand, the complement: WLS is on the minus strand). VCF-style: chr1-68141212-G-T. GRCh37 (hg19) VCF-style: chr1-68606895-G-T.
Other names: c.1357-3279C>A (NM_001002292.4); c.1090-3279C>A (NM_001193334.1).
Identifiers: ClinVar variation 3029388 (VCV003029388.2), dbSNP rs1056055466, ClinGen allele CA1173435743.
Genomic context (GRCh38, chr1:68,141,212, plus strand): 5'-GACAACCAACATTCCACTTAACAACAAGATTTCCAAATCCCAGACACAGGCTCTCTTACC[G>T]GAAACATTTCCTCTGTAAGTAACAGAATGAAGTGATCACACACACACAAAAGAGCTGGGG-3'

ClinVar aggregate classification (germline): Uncertain significance (0 of 4 stars; one submission).

Conditions:
WLS-related disorder. Also called: WLS-related condition.

Submission:

PreventionGenetics, part of Exact Sciences
Classification: Uncertain significance for WLS-related condition. Last evaluated: 2023-12-21. Review status: no assertion criteria provided. Collection method: clinical testing. Allele origin: germline.
Comment: The WLS c.1357-3279C>A variant is predicted to interfere with splicing. To our knowledge, this variant has not been reported in the literature or in a large population database, indicating this variant is rare. At this time, the clinical significance of this variant is uncertain due to the absence of conclusive functional and genetic evidence.